The following is an entry in ClinVar:

NM_004793.4(LONP1):c.478G>A (p.Ala160Thr)

Gene: LONP1 (lon peptidase 1, mitochondrial; minus strand). Cytogenetic location: 19p13.3.
Variant type: single nucleotide variant.
Coding change: c.478G>A on transcript NM_004793.4 (MANE Select); coding-DNA position 478, G replaced by A.
Protein change: p.Ala160Thr; replaces alanine 160 with threonine.
Molecular consequence: missense variant. On other transcripts: 5 prime UTR variant (1), non-coding transcript variant (1).
Genome position (GRCh38, 1-based): chr19:5,714,223, C>T on the plus strand (G>A on the coding strand, the complement: LONP1 is on the minus strand). VCF-style: chr19-5714223-C-T. GRCh37 (hg19) VCF-style: chr19-5714234-C-T.
Other names: c.478G>A (NM_004793.3, NM_004793.2); c.286G>A, p.Ala96Thr (NM_001276479.2); c.-111G>A (NM_001276480.1); short protein forms A160T, A96T.
Identifiers: ClinVar variation 1447936 (VCV001447936.26), dbSNP rs148374055, ClinGen allele CA9115122.
Genomic context (GRCh38, chr19:5,714,223, plus strand): 5'-GAAGGAAAAATCACACTTACCTGTCATCTCTCTTTAGAAAGACGCCGACATAAGGCTGGG[C>T]GAGACGAACTTTCCTTCTCAGCAGCTCAACCAACTTCTTATTTTTAACCTAGCATGACAA-3'
Protein context (NP_004784.2, residues 150-170): VELLRRKVRL[Ala160Thr]QPYVGVFLKR

ClinVar aggregate classification (germline): Benign/Likely benign. Review status: criteria provided, multiple submitters, no conflicts (2 of 4 stars). 4 submissions from 4 submitters: Benign (1); Likely benign (2). 1 of the submissions does not count toward it. Last evaluated 2026-02-03.

Conditions:
LONP1-related disorder. Also called: LONP1-related disorders; LONP1-related condition.
Inborn genetic diseases. Identifiers: MedGen C0950123, MeSH D030342.

Allele frequency attached by ClinVar (database versions not stated): 1000 Genomes Project 0.00040; gnomAD 0.00046 and 0.00050; 1000 Genomes Project 30x 0.00047; gnomAD exomes 0.00051; ExAC 0.00053; ESP Exome Variant Server 0.00077.
gnomAD v4.1: 1,223 of 1,613,970 alleles (0.076%); highest among the groups gnomAD compares: South Asian, 0.17%; 4 homozygotes.

Submissions (4):

Labcorp Genetics (formerly Invitae), Labcorp
Classification: Benign. Last evaluated: 2026-02-03. Review status: criteria provided, single submitter. Criteria: Invitae Variant Classification Sherloc (09022015). Collection method: clinical testing. Allele origin: germline.

CeGaT Center for Human Genetics Tuebingen
Classification: Likely benign. Last evaluated: 2024-06-01. Review status: criteria provided, single submitter. Criteria: CeGaT Center For Human Genetics Tuebingen Variant Classification Criteria Version 2. Collection method: clinical testing. Allele origin: germline. Affected: yes. Observed: 1 variant allele.
Comment: LONP1: BS2

Ambry Genetics
Classification: Likely benign for Inborn genetic diseases. Last evaluated: 2022-11-18. Review status: criteria provided, single submitter. Criteria: Ambry Variant Classification Scheme 2023. Collection method: clinical testing. Allele origin: germline.

PreventionGenetics, part of Exact Sciences
Classification: Likely benign for LONP1-related condition. Last evaluated: 2021-04-13. Review status: no assertion criteria provided. Collection method: clinical testing. Allele origin: germline. Not counted in ClinVar's aggregate classification.
Comment: This variant is classified as likely benign based on ACMG/AMP sequence variant interpretation guidelines (Richards et al. 2015 PMID: 25741868, with internal and published modifications).